The following is an entry in ClinVar:

ClinVar aggregate classification (germline): Uncertain significance (1 of 4 stars; one submission).

gnomAD v4.1: 1 of 1,601,952 alleles (0.000062%); highest among the groups gnomAD compares: Non-Finnish European, 0.000085%; no homozygotes.

Submission:

GeneDx
Classification: Uncertain significance. Last evaluated: 2023-05-02. Review status: criteria provided, single submitter. Criteria: GeneDx Variant Classification Process June 2021. Collection method: clinical testing. Allele origin: germline. Affected: yes.
Comment: Not observed at significant frequency in large population cohorts (gnomAD); In silico analysis supports that this missense variant has a deleterious effect on protein structure/function; Has not been previously published as pathogenic or benign to our knowledge

NM_001084.5(PLOD3):c.1346A>G (p.Gln449Arg)

Gene: PLOD3 (procollagen-lysine,2-oxoglutarate 5-dioxygenase 3; minus strand). Cytogenetic location: 7q22.1.
Variant type: single nucleotide variant.
Coding change: c.1346A>G on transcript NM_001084.5 (MANE Select); coding-DNA position 1346, A replaced by G.
Protein change: p.Gln449Arg; replaces glutamine 449 with arginine.
Molecular consequence: missense variant.
Genome position (GRCh38, 1-based): chr7:101,211,603, T>C on the plus strand (A>G on the coding strand, the complement: PLOD3 is on the minus strand). VCF-style: chr7-101211603-T-C. GRCh37 (hg19) VCF-style: chr7-100854884-T-C.
Other names: short protein forms Q449R.
Identifiers: ClinVar variation 2663074 (VCV002663074.1), dbSNP rs2535167308, ClinGen allele CA368616919.